The following is an entry in ClinVar:

ClinVar aggregate classification (germline): Uncertain significance. Review status: reviewed by expert panel (3 of 4 stars). 3 submissions from 3 submitters: Uncertain significance (1). 2 of the submissions do not count toward it. Last evaluated 2025-01-15.

Conditions:
Inborn genetic diseases. Identifiers: MedGen C0950123, MeSH D030342.
Hereditary thrombocytopenia and hematologic cancer predisposition syndrome. Identifiers: Orphanet 71290, MedGen CN281654, MONDO:0011071.
Hereditary thrombocytopenia and hematological cancer predisposition syndrome associated with RUNX1. Also called: Familial Platelet Disorder with Propensity to Acute Myelogenous Leukemia; Familial thrombocytopenia with propensity to acute myelogenous leukemia; PLATELET DISORDER, ASPIRIN-LIKE; RUNX1 Familial Platelet Disorder with Associated Myeloid Malignancies. Identifiers: Orphanet 71290, MedGen C1832388, MeSH C563324, MONDO:0100083, OMIM 601399.

Submissions (3):

ClinGen Myeloid Malignancy Variant Curation Expert Panel
Classification: Uncertain significance for Hereditary thrombocytopenia and hematologic cancer predisposition syndrome. Last evaluated: 2025-01-15. Review status: reviewed by expert panel. Criteria: ClinGen MyeloMalig ACMG Specifications v2. Collection method: curation. Allele origin: germline. Inheritance: Autosomal dominant inheritance.
Comment: NM_001754.5(RUNX1):c.805+4A>G is an intronic variant which is completely absent from all population databases with at least 20x coverage for RUNX1 (PM2_Supporting). In summary, the clinical significance of this variant is uncertain. ACMG/AMP criteria applied, as specified by the Myeloid Malignancy Variant Curation Expert Panel for RUNX1: PM2_Supporting

Ambry Genetics
Classification: Uncertain significance for Inborn genetic diseases. Last evaluated: 2026-02-10. Review status: criteria provided, single submitter. Criteria: Ambry Variant Classification Scheme 2023. Collection method: clinical testing. Allele origin: germline. Not counted in ClinVar's aggregate classification.
Comment: The c.805+4A>G intronic variant results from an A to G substitution 4 nucleotides after coding exon 6 in the RUNX1 gene. This nucleotide position is highly conserved in available vertebrate species. In silico splice site analysis predicts that this alteration may weaken the native splice donor site. Based on the available evidence, the clinical significance of this variant remains unclear.

Labcorp Genetics (formerly Invitae), Labcorp
Classification: Uncertain significance for Hereditary thrombocytopenia and hematological cancer predisposition syndrome associated with RUNX1. Last evaluated: 2023-05-12. Review status: criteria provided, single submitter. Criteria: Invitae Variant Classification Sherloc (09022015). Collection method: clinical testing. Allele origin: germline. Not counted in ClinVar's aggregate classification.
Comment: This sequence change falls in intron 7 of the RUNX1 gene. It does not directly change the encoded amino acid sequence of the RUNX1 protein. It affects a nucleotide within the consensus splice site. This variant has not been reported in the literature in individuals affected with RUNX1-related conditions. Variants that disrupt the consensus splice site are a relatively common cause of aberrant splicing (PMID: 17576681, 9536098). Algorithms developed to predict the effect of sequence changes on RNA splicing suggest that this variant may disrupt the consensus splice site. In summary, the available evidence is currently insufficient to determine the role of this variant in disease. Therefore, it has been classified as a Variant of Uncertain Significance. This variant is not present in population databases (gnomAD no frequency).

Literature cited by the submitters: PubMed 17576681 (cited by Labcorp Genetics (formerly Invitae), Labcorp); PubMed 9536098 (cited by Labcorp Genetics (formerly Invitae), Labcorp).

NM_001754.5(RUNX1):c.805+4A>G

Gene: RUNX1 (RUNX family transcription factor 1; minus strand). Cytogenetic location: 21q22.12.
Variant type: single nucleotide variant.
Coding change: c.805+4A>G on transcript NM_001754.5 (MANE Select); 4 bases into the intron after coding-DNA position 805, A replaced by G.
Molecular consequence: intron variant.
Genome position (GRCh38, 1-based): chr21:34,834,406, T>C on the plus strand (A>G on the coding strand, the complement: RUNX1 is on the minus strand). VCF-style: chr21-34834406-T-C. GRCh37 (hg19) VCF-style: chr21-36206703-T-C.
Other names: c.724+4A>G (NM_001001890.3, NM_001122607.2); c.805+4A>G (NM_001754.4).
Identifiers: ClinVar variation 2860395 (VCV002860395.5), dbSNP rs2517037480, ClinGen allele CA2739267606.